The following is an entry in ClinVar:

ClinVar aggregate classification (germline): Uncertain significance (1 of 4 stars; one submission).

Conditions:
POU3F3-related disorder. Also called: POU3F3-related condition.

Submission:

PreventionGenetics, part of Exact Sciences
Classification: Uncertain significance for POU3F3-related condition. Last evaluated: 2023-08-15. Review status: criteria provided, single submitter. Criteria: ACMG Guidelines, 2015. Collection method: clinical testing. Allele origin: germline.
Comment: The POU3F3 c.931C>T variant is predicted to result in the amino acid substitution p.His311Tyr. To our knowledge, this variant has not been reported in the literature or in a large population database, indicating this variant is rare. At this time, the clinical significance of this variant is uncertain due to the absence of conclusive functional and genetic evidence.

NM_006236.3(POU3F3):c.931C>T (p.His311Tyr)

Gene: POU3F3 (POU class 3 homeobox 3; plus strand). Cytogenetic location: 2q12.1.
Variant type: single nucleotide variant.
Coding change: c.931C>T on transcript NM_006236.3 (MANE Select); coding-DNA position 931, C replaced by T.
Protein change: p.His311Tyr; replaces histidine 311 with tyrosine.
Molecular consequence: missense variant.
Genome position (GRCh38, 1-based): chr2:104,856,441, C>T. VCF-style: chr2-104856441-C-T. GRCh37 (hg19) VCF-style: chr2-105472899-C-T.
Other names: short protein forms H311Y.
Identifiers: ClinVar variation 2636751 (VCV002636751.1), dbSNP rs2466876482, ClinGen allele CA348097814.